The following is an entry in ClinVar:

NM_001281740.3(FHOD3):c.1490G>A (p.Arg497Gln)

Gene: FHOD3 (formin homology 2 domain containing 3; plus strand). Cytogenetic location: 18q12.2.
Variant type: single nucleotide variant.
Coding change: c.1490G>A on transcript NM_001281740.3 (MANE Select); coding-DNA position 1490, G replaced by A.
Protein change: p.Arg497Gln; replaces arginine 497 with glutamine.
Molecular consequence: missense variant. On other transcripts: intron variant (2).
Genome position (GRCh38, 1-based): chr18:36,652,773, G>A. VCF-style: chr18-36652773-G-A. GRCh37 (hg19) VCF-style: chr18-34232736-G-A.
Other names: c.1197-5302G>A (NM_025135.5, NM_001281739.3); short protein forms R497Q.
Identifiers: ClinVar variation 4983462 (VCV004983462.1).

ClinVar aggregate classification (germline): Uncertain significance (1 of 4 stars; one submission).

Conditions:
FHOD3-related disorder. Also called: FHOD3-related condition.

gnomAD v4.1: 43 of 1,535,746 alleles (0.0028%); highest among the groups gnomAD compares: Middle Eastern, 0.017%; no homozygotes.

Submission:

PreventionGenetics, part of Exact Sciences
Classification: Uncertain significance for FHOD3-related condition. Last evaluated: 2026-06-03. Review status: criteria provided, single submitter. Criteria: ACMG Guidelines, 2015. Collection method: clinical testing. Allele origin: germline.
Comment: The FHOD3 c.1490G>A variant is predicted to result in the amino acid substitution p.Arg497Gln. This variant was reported in an individual with unexplained cardiac arrest (Supplementary Table 5, Grondin et al. 2022. PubMed ID: 35352813). This variant is reported in 0.015% of alleles in individuals of African descent in gnomAD. At this time, the clinical significance of this variant is uncertain due to the absence of conclusive functional and genetic evidence.